The following is an entry in ClinVar:

ClinVar aggregate classification (germline): Likely benign (1 of 4 stars; one submission).

Submission:

Women's Health and Genetics/Laboratory Corporation of America, LabCorp
Classification: Likely benign. Last evaluated: 2026-04-16. Review status: criteria provided, single submitter. Criteria: LabCorp Variant Classification Summary - May 2015. Collection method: clinical testing. Allele origin: germline.
Comment: Variant summary: DIAPH3 c.1651-15dupT alters a nucleotide located at a position not widely known to affect splicing. Consensus agreement among computation tools predict no significant impact on normal splicing. However, these predictions have yet to be confirmed by functional studies. The variant allele was found at a frequency of 1.3e-05 in 157984 control chromosomes. The available data on variant occurrences in the general population are insufficient to allow any conclusion about variant significance. To our knowledge, no occurrence of c.1651-15dupT in individuals affected with DIAPH3-related conditions and no experimental evidence demonstrating its impact on protein function have been reported. No submitters have cited clinical-significance assessments for this variant to ClinVar. Based on the evidence outlined above, the variant was classified as likely benign.

NM_001042517.2(DIAPH3):c.1651-15dup

Gene: DIAPH3 (diaphanous related formin 3; minus strand). Cytogenetic location: 13q21.2.
Variant type: Duplication.
Coding change: c.1651-15dup on transcript NM_001042517.2 (MANE Select); 15 bases into the intron before coding-DNA position 1651, one base duplicated (T; older notation c.1651-15dupT).
Molecular consequence: intron variant.
Genome position (GRCh38, 1-based): chr13:59,971,175, A duplicated on the plus strand (T on the coding strand, the reverse complement: DIAPH3 is on the minus strand); the first of 2 consecutive A bases (chr13:59,971,175-59,971,176); duplicating either gives the same sequence. VCF-style (leftmost placement, unchanged base first): chr13-59971174-C-CA. GRCh37 (hg19) VCF-style: chr13-60545308-C-CA.
Other names: c.1441-15dup (NM_001258368.2); c.1513-15dup (NM_001258367.2); c.1618-15dup (NM_001258366.2); c.1651-15dup (NM_001258369.2); c.862-15dup (NM_030932.4, NM_001258370.2); c.1651-15dupT (NM_001042517.2).
Identifiers: ClinVar variation 4848497 (VCV004848497.1).